The following is an entry in ClinVar:

NM_000518.5(HBB):c.358G>A (p.Gly120Ser)

Genes: HBB (hemoglobin subunit beta; minus strand), LOC107133510 (origin of replication at HBB; plus strand), LOC110006319 (beta-globin gene 3' regulatory region; plus strand). Cytogenetic location: 11p15.4.
Variant type: single nucleotide variant.
Coding change: c.358G>A on transcript NM_000518.5 (MANE Select); coding-DNA position 358, G replaced by A.
Protein change: p.Gly120Ser; replaces glycine 120 with serine.
Molecular consequence: missense variant.
Genome position (GRCh38, 1-based): chr11:5,225,684, C>T on the plus strand (G>A on the coding strand, the complement: HBB is on the minus strand). VCF-style: chr11-5225684-C-T. GRCh37 (hg19) VCF-style: chr11-5246914-C-T.
Other names: short protein forms G120S.
Identifiers: ClinVar variation 4853115 (VCV004853115.1).

ClinVar aggregate classification (germline): Uncertain significance (1 of 4 stars; one submission).

Submission:

Women's Health and Genetics/Laboratory Corporation of America, LabCorp
Classification: Uncertain significance. Last evaluated: 2026-05-13. Review status: criteria provided, single submitter. Criteria: LabCorp Variant Classification Summary - May 2015. Collection method: clinical testing. Allele origin: germline.
Comment: Variant summary: HBB c.358G>A (p.Gly120Ser) results in a non-conservative amino acid change in the encoded protein sequence. Algorithms developed to predict the effect of missense changes on protein structure and function are either unavailable or do not agree on the potential impact of this missense change. The variant was absent in 251298 control chromosomes. The available data on variant occurrences in the general population are insufficient to allow any conclusion about variant significance. c.358G>A has been observed in an unknown state in at least 1 individual(s) undergoing genetic testing for Hemoglobinopathy (example, Kutlar_2014). These report(s) do not provide unequivocal conclusions about association of the variant with Hemoglobinopathy. To our knowledge, no experimental evidence demonstrating an impact on protein function has been reported. The following publication has been ascertained in the context of this evaluation (PMID: 24471829). No submitters have cited clinical-significance assessments for this variant to ClinVar. Based on the evidence outlined above, the variant was classified as uncertain significance.

Literature cited by the submitters: PubMed 24471829.